The following is an entry in ClinVar:

ClinVar aggregate classification (germline): Likely pathogenic (1 of 4 stars; one submission).

Conditions:
Sulfite oxidase deficiency due to molybdenum cofactor deficiency type A. Also called: Molybdenum cofactor deficiency, complementation group A; Molybdenum Cofactor Deficiency A. Identifiers: Orphanet 308386, Orphanet 833, MedGen C1854988, MONDO:0009643, OMIM 252150.

Allele frequency attached by ClinVar (database versions not stated): gnomAD exomes below 0.00001.
gnomAD v4.1: 1 of 1,595,598 alleles (0.000063%); highest among the groups gnomAD compares: Admixed American, 0.0017%; no homozygotes.

Submission:

Labcorp Genetics (formerly Invitae), Labcorp
Classification: Likely pathogenic for Sulfite oxidase deficiency due to molybdenum cofactor deficiency type A. Last evaluated: 2022-05-10. Review status: criteria provided, single submitter. Criteria: Invitae Variant Classification Sherloc (09022015). Collection method: clinical testing. Allele origin: germline.
Comment: In summary, the currently available evidence indicates that the variant is pathogenic, but additional data are needed to prove that conclusively. Therefore, this variant has been classified as Likely Pathogenic. This variant has not been reported in the literature in individuals affected with MOCS1-related conditions. This variant is not present in population databases (gnomAD no frequency). This sequence change affects an acceptor splice site in intron 9 of the MOCS1 gene. It is expected to disrupt RNA splicing. Variants that disrupt the donor or acceptor splice site typically lead to a loss of protein function (PMID: 16199547), and loss-of-function variants in MOCS1 are known to be pathogenic (PMID: 12754701, 16021469).

Literature cited by the submitters: PubMed 16199547; PubMed 12754701; PubMed 16021469.

NM_001358530.2(MOCS1):c.1103-1G>A

Gene: MOCS1 (molybdenum cofactor synthesis 1; minus strand). Cytogenetic location: 6p21.2.
Variant type: single nucleotide variant.
Coding change: c.1103-1G>A on transcript NM_001358530.2 (MANE Select); the canonical splice acceptor site of the intron before coding-DNA position 1103, G replaced by A.
Molecular consequence: splice acceptor variant. On other transcripts: intron variant (1).
Genome position (GRCh38, 1-based): chr6:39,909,103, C>T on the plus strand (G>A on the coding strand, the complement: MOCS1 is on the minus strand). VCF-style: chr6-39909103-C-T. GRCh37 (hg19) VCF-style: chr6-39876879-C-T.
Other names: c.842-1G>A (NM_001358531.2, NM_001358533.2, NM_001358534.2); c.1102+732G>A (NM_001358529.2); c.1103-1G>A (NM_001075098.4, NM_005943.6).
Identifiers: ClinVar variation 2100469 (VCV002100469.4), dbSNP rs2482274768, ClinGen allele CA364041946.